The following is an entry in ClinVar:

NM_000404.4(GLB1):c.1983C>T (p.Leu661=)

Gene: GLB1 (galactosidase beta 1; minus strand). Cytogenetic location: 3p22.3.
Variant type: single nucleotide variant.
Coding change: c.1983C>T on transcript NM_000404.4 (MANE Select); coding-DNA position 1983, C replaced by T.
Protein change: p.Leu661=; no amino-acid change (leucine 661 retained).
Molecular consequence: synonymous variant.
Genome position (GRCh38, 1-based): chr3:32,997,096, G>A on the plus strand (C>T on the coding strand, the complement: GLB1 is on the minus strand). VCF-style: chr3-32997096-G-A. GRCh37 (hg19) VCF-style: chr3-33038588-G-A.
Other names: c.1893C>T, p.Leu631= (NM_001079811.3); c.1590C>T, p.Leu530= (NM_001135602.3); c.2127C>T, p.Leu709= (NM_001317040.2).
Identifiers: ClinVar variation 1096185 (VCV001096185.38), dbSNP rs747589996, ClinGen allele CA2299263.
Genomic context (GRCh38, chr3:32,997,096, plus strand): 5'-CTTTCATCATCATACATGGTCCAGCCATGAATCTTTGTTTTTTTGCGGGGGTGGGGGCAT[G>A]AGTCTTTTTTCAACAGGTTTGGAGGGATGATCGTAGGTCACAGATGAGCCAATAACTGGC-3'
Protein context (NP_000395.3, residues 651-671): DHPSKPVEKR[Leu661=]MPPPPQKNKD

ClinVar aggregate classification (germline): Likely benign. Review status: criteria provided, multiple submitters, no conflicts (2 of 4 stars). 2 submissions from 2 submitters: Likely benign (2). Last evaluated 2024-05-17.

Conditions:
Mucopolysaccharidosis, MPS-IV-B (MPS4B). Also called: Mucopolysaccharidosis Type IVB; Mucopolysaccharidosis type IVB (Morquio); MPS IVB; MORQUIO SYNDROME B; Mucopolysaccharidosis type IV B; Mucopolysaccharidosis type 4B. Identifiers: Orphanet 309310, Orphanet 582, MedGen C0086652, MONDO:0009660, OMIM 253010.
GM1 gangliosidosis. Identifiers: Orphanet 354, MedGen C0085131, MONDO:0018149.

Allele frequency attached by ClinVar (database versions not stated): TOPMed below 0.00001; ExAC 0.00001; gnomAD 0.00001; gnomAD exomes 0.00002.
gnomAD v4.1: 10 of 1,614,046 alleles (0.00062%); highest among the groups gnomAD compares: Non-Finnish European, 0.00085%; no homozygotes.

Submissions (2):

Labcorp Genetics (formerly Invitae), Labcorp
Classification: Likely benign for Mucopolysaccharidosis, MPS-IV-B; GM1 gangliosidosis. Last evaluated: 2024-05-17. Review status: criteria provided, single submitter. Criteria: Invitae Variant Classification Sherloc (09022015). Collection method: clinical testing. Allele origin: germline.

CeGaT Center for Human Genetics Tuebingen
Classification: Likely benign. Last evaluated: 2022-06-01. Review status: criteria provided, single submitter. Criteria: CeGaT Center For Human Genetics Tuebingen Variant Classification Criteria Version 2. Collection method: clinical testing. Allele origin: germline. Affected: yes. Observed: 1 variant allele.
Comment: GLB1: BP4, BP7